The following is an entry in ClinVar:

NM_000135.4(FANCA):c.1963G>T (p.Ala655Ser)

Gene: FANCA (FA complementation group A; minus strand). Cytogenetic location: 16q24.3.
Variant type: single nucleotide variant.
Coding change: c.1963G>T on transcript NM_000135.4 (MANE Select); coding-DNA position 1963, G replaced by T.
Protein change: p.Ala655Ser; replaces alanine 655 with serine.
Molecular consequence: missense variant.
Genome position (GRCh38, 1-based): chr16:89,773,322, C>A on the plus strand (G>T on the coding strand, the complement: FANCA is on the minus strand). VCF-style: chr16-89773322-C-A. GRCh37 (hg19) VCF-style: chr16-89839730-C-A.
Other names: c.1963G>T, p.Ala655Ser (NM_001286167.3); short protein forms A655S.
Identifiers: ClinVar variation 5036335 (VCV005036335.1).

ClinVar aggregate classification (germline): Uncertain significance (1 of 4 stars; one submission).

Conditions:
Inborn genetic diseases. Identifiers: MedGen C0950123, MeSH D030342.

Submission:

Ambry Genetics
Classification: Uncertain significance for Inborn genetic diseases. Last evaluated: 2026-07-04. Review status: criteria provided, single submitter. Criteria: Ambry Variant Classification Scheme 2023. Collection method: clinical testing. Allele origin: germline.
Comment: The p.A655S variant (also known as c.1963G>T), located in coding exon 22 of the FANCA gene, results from a G to T substitution at nucleotide position 1963. The alanine at codon 655 is replaced by serine, an amino acid with similar properties. This amino acid position is conserved. In addition, this alteration is predicted to be tolerated by in silico analysis. Based on the available evidence, the clinical significance of this variant remains unclear.